The following is an entry in ClinVar:

ClinVar aggregate classification (germline): Uncertain significance (1 of 4 stars; one submission).

gnomAD v4.1: 1 of 397,778 alleles (0.00025%); highest among the groups gnomAD compares: Non-Finnish European, 0.00044%; no homozygotes.

Submission:

CeGaT Center for Human Genetics Tuebingen
Classification: Uncertain significance. Last evaluated: 2022-09-01. Review status: criteria provided, single submitter. Criteria: CeGaT Center For Human Genetics Tuebingen Variant Classification Criteria Version 2. Collection method: clinical testing. Allele origin: germline. Affected: yes. Observed: 1 variant allele.
Comment: KCNQ1OT1: PM2

NM_000218.3(KCNQ1):c.1393+27282A>C

Genes: KCNQ1 (potassium voltage-gated channel subfamily Q member 1; plus strand), KCNQ1OT1 (KCNQ1 opposite strand/antisense transcript 1; minus strand). Cytogenetic location: 11p15.5.
Variant type: single nucleotide variant.
Coding change: c.1393+27282A>C on transcript NM_000218.3 (MANE Select); 27282 bases into the intron after coding-DNA position 1393, A replaced by C.
Molecular consequence: intron variant. On other transcripts: non-coding transcript variant (1).
Genome position (GRCh38, 1-based): chr11:2,616,136, A>C. VCF-style: chr11-2616136-A-C. GRCh37 (hg19) VCF-style: chr11-2637366-A-C.
Other names: c.1123+27282A>C (NM_001406837.1); c.1297+27282A>C (NM_001406836.1); c.853+27282A>C (NM_001406838.1); c.1012+27282A>C (NM_181798.2).
Identifiers: ClinVar variation 2641373 (VCV002641373.24), dbSNP rs2493757541, ClinGen allele CA472085434.
Genomic context (GRCh38, chr11:2,616,136, plus strand): 5'-CTGTATTAGTATTTTGTGAATTCGTCCATCTTATCTAGGTTATATAATTTGTTGGTATAC[A>C]GTTATTCATAGTATTCTTTTATCACACTTTTTATTTCTGTAAGATCAGTTATATCGTTCC-3'